The following is an entry in ClinVar:

ClinVar aggregate classification (germline): Uncertain significance (1 of 4 stars; one submission).

Conditions:
Cardiovascular phenotype. Identifiers: MedGen CN230736.

Submission:

Ambry Genetics
Classification: Uncertain significance for Cardiovascular phenotype. Last evaluated: 2025-10-28. Review status: criteria provided, single submitter. Criteria: Ambry Variant Classification Scheme 2023. Collection method: clinical testing. Allele origin: germline.
Comment: The c.3738A>G variant (also known as p.R1246R), located in coding exon 11 of the AKAP9 gene, results from an A to G substitution at nucleotide position 3738. This nucleotide substitution does not change the amino acid at codon 1246. This nucleotide position is well conserved in available vertebrate species. In silico splice site analysis predicts that this alteration will result in the creation or strengthening of a novel splice donor site. The evidence for this gene-disease relationship is limited; therefore, the clinical significance of this alteration is unclear.

NM_005751.5(AKAP9):c.3738A>G (p.Arg1246=)

Gene: AKAP9 (A-kinase anchoring protein 9; plus strand). Cytogenetic location: 7q21.2.
Variant type: single nucleotide variant.
Coding change: c.3738A>G on transcript NM_005751.5 (MANE Select); coding-DNA position 3738, A replaced by G.
Protein change: p.Arg1246=; no amino-acid change (arginine 1246 retained).
Molecular consequence: synonymous variant.
Genome position (GRCh38, 1-based): chr7:92,016,254, A>G. VCF-style: chr7-92016254-A-G. GRCh37 (hg19) VCF-style: chr7-91645568-A-G.
Other names: c.3738A>G, p.Arg1246= (NM_147185.3).
Identifiers: ClinVar variation 4613396 (VCV004613396.1).